The following is an entry in ClinVar:

ClinVar aggregate classification (germline): Uncertain significance (1 of 4 stars; one submission).

gnomAD v4.1: 2 of 1,583,204 alleles (0.00013%); highest among the groups gnomAD compares: Non-Finnish European, 0.00017%; no homozygotes.

Submission:

Labcorp Genetics (formerly Invitae), Labcorp
Classification: Uncertain significance. Last evaluated: 2025-03-27. Review status: criteria provided, single submitter. Criteria: Invitae Variant Classification Sherloc (09022015). Collection method: clinical testing. Allele origin: germline.
Comment: This sequence change replaces lysine, which is basic and polar, with glutamine, which is neutral and polar, at codon 20 of the DNAJC21 protein (p.Lys20Gln). This variant is not present in population databases (gnomAD no frequency). This variant has not been reported in the literature in individuals affected with DNAJC21-related conditions. An algorithm developed to predict the effect of missense changes on protein structure and function (PolyPhen-2) suggests that this variant is likely to be disruptive. In summary, the available evidence is currently insufficient to determine the role of this variant in disease. Therefore, it has been classified as a Variant of Uncertain Significance.

NM_001012339.3(DNAJC21):c.58A>C (p.Lys20Gln)

Genes: DNAJC21 (DnaJ heat shock protein family (Hsp40) member C21; plus strand), LOC129993792 (ATAC-STARR-seq lymphoblastoid silent region 15969; plus strand). Cytogenetic location: 5p13.2.
Variant type: single nucleotide variant.
Coding change: c.58A>C on transcript NM_001012339.3 (MANE Select); coding-DNA position 58, A replaced by C.
Protein change: p.Lys20Gln; replaces lysine 20 with glutamine.
Molecular consequence: missense variant.
Genome position (GRCh38, 1-based): chr5:34,929,877, A>C. VCF-style: chr5-34929877-A-C. GRCh37 (hg19) VCF-style: chr5-34929982-A-C.
Other names: c.58A>C, p.Lys20Gln (NM_001348420.2, NM_194283.4); short protein forms K20Q.
Identifiers: ClinVar variation 4764428 (VCV004764428.1).